The following is an entry in ClinVar:

ClinVar aggregate classification (germline): Likely benign. Review status: criteria provided, multiple submitters, no conflicts (2 of 4 stars). 2 submissions from 2 submitters: Likely benign (2). Last evaluated 2026-01-26.

Conditions:
Long QT syndrome (LQTS). Identifiers: MedGen C0023976, MeSH D008133, MONDO:0002442. Disease mechanism: loss of function. Inheritance: Various modes of inheritance.

Allele frequency attached by ClinVar (database versions not stated): gnomAD exomes 0.00001 and 0.00002; TOPMed 0.00001; ExAC 0.00002.
gnomAD v4.1: 6 of 1,596,640 alleles (0.00038%); highest among the groups gnomAD compares: Admixed American, 0.01%; no homozygotes.

Submissions (2):

Labcorp Genetics (formerly Invitae), Labcorp
Classification: Likely benign for Long QT syndrome. Last evaluated: 2026-01-26. Review status: criteria provided, single submitter. Criteria: Invitae Variant Classification Sherloc (09022015). Collection method: clinical testing. Allele origin: germline.

GeneDx
Classification: Likely benign. Last evaluated: 2018-01-29. Review status: criteria provided, single submitter. Criteria: GeneDx Variant Classification (06012015). Collection method: clinical testing. Allele origin: germline. Affected: yes.
Comment: This variant is considered likely benign or benign based on one or more of the following criteria: it is a conservative change, it occurs at a poorly conserved position in the protein, it is predicted to be benign by multiple in silico algorithms, and/or has population frequency not consistent with disease.

NM_001148.6(ANK2):c.286-18T>C

Gene: ANK2 (ankyrin 2; plus strand). Cytogenetic location: 4q25.
Variant type: single nucleotide variant.
Coding change: c.286-18T>C on transcript NM_001148.6 (MANE Select); 18 bases into the intron before coding-DNA position 286, T replaced by C.
Molecular consequence: intron variant.
Genome position (GRCh38, 1-based): chr4:113,198,993, T>C. VCF-style: chr4-113198993-T-C. GRCh37 (hg19) VCF-style: chr4-114120149-T-C.
Other names: c.274-18T>C (NM_001386186.2, NM_001386148.2, NM_001354269.3 and 1 more transcripts); c.268-18T>C (NM_001386147.1, NM_001386160.1, NM_001354261.2); c.223-18T>C (NM_001354254.2, NM_001354239.2, NM_001354252.2 and 33 more transcripts); c.331-18T>C (NM_001354241.2, NM_001386152.1, NM_001354237.2 and 5 more transcripts); c.286-18T>C (NM_001354225.2, NM_001354235.2, NM_001354246.2 and 9 more transcripts); c.337-18T>C (NM_001386174.1, NM_001386175.1).
Identifiers: ClinVar variation 514867 (VCV000514867.8), dbSNP rs760621803, ClinGen allele CA3049998.